The following is an entry in ClinVar:

NM_201384.3(PLEC):c.9620T>C (p.Leu3207Pro)

Gene: PLEC (plectin; minus strand). Cytogenetic location: 8q24.3.
Variant type: single nucleotide variant.
Coding change: c.9620T>C on transcript NM_201384.3 (MANE Select); coding-DNA position 9620, T replaced by C.
Protein change: p.Leu3207Pro; replaces leucine 3207 with proline.
Molecular consequence: missense variant.
Genome position (GRCh38, 1-based): chr8:143,920,201, A>G on the plus strand (T>C on the coding strand, the complement: PLEC is on the minus strand). VCF-style: chr8-143920201-A-G. GRCh37 (hg19) VCF-style: chr8-144994369-A-G.
Other names: c.9701T>C, p.Leu3234Pro (NM_000445.5); c.6320T>C, p.Leu2107Pro (NM_001410941.1); c.9578T>C, p.Leu3193Pro (NM_201378.4); c.9554T>C, p.Leu3185Pro (NM_201379.3); c.10031T>C, p.Leu3344Pro (NM_201380.4); c.9524T>C, p.Leu3175Pro (NM_201381.3); c.9620T>C, p.Leu3207Pro (NM_201382.4); c.9632T>C, p.Leu3211Pro (NM_201383.3); short protein forms L2107P, L3175P, L3193P, L3207P, L3211P, L3234P, L3344P, L3185P.
Identifiers: ClinVar variation 2930089 (VCV002930089.3), dbSNP rs1554680988, ClinGen allele CA372507674.

ClinVar aggregate classification (germline): Uncertain significance (1 of 4 stars; one submission).

Conditions:
Epidermolysis bullosa simplex with nail dystrophy (EBS5D). Identifiers: MedGen C4225309, MONDO:0014661, OMIM 616487.
Epidermolysis bullosa simplex 5B, with muscular dystrophy (EBS5B). Also called: EPIDERMOLYSIS BULLOSA SIMPLEX AND LIMB-GIRDLE MUSCULAR DYSTROPHY; Epidermolysis bullosa simplex with muscular dystrophy. Identifiers: Orphanet 257, MedGen C2931072, MONDO:0009181, OMIM 226670.
Epidermolysis bullosa simplex 5C, with pyloric atresia (EBS5C). Also called: PLEC-Related Epidermolysis Bullosa with Pyloric Atresia; Epidermolysis bullosa simplex with pyloric atresia; PLEC1-Related Epidermolysis Bullosa with Pyloric Atresia. Identifiers: Orphanet 158684, MedGen C2677349, MONDO:0012807, OMIM 612138.
Autosomal recessive limb-girdle muscular dystrophy type 2Q (LGMDR17). Also called: MUSCULAR DYSTROPHY, LIMB-GIRDLE, AUTOSOMAL RECESSIVE 17. Identifiers: Orphanet 254361, MedGen C3150989, MONDO:0013390, OMIM 613723.
Epidermolysis bullosa simplex, Ogna type (EBS5A). Also called: Pidermolysis bullosa simplex 5A, Ogna type; EPIDERMOLYSIS BULLOSA SIMPLEX 5A, OGNA TYPE. Identifiers: Orphanet 79401, MedGen C0432317, MONDO:0007555, OMIM 131950.

Allele frequency attached by ClinVar (database versions not stated): TOPMed below 0.00001; gnomAD 0.00001.
gnomAD v4.1: 2 of 1,609,582 alleles (0.00012%); highest among the groups gnomAD compares: Admixed American, 0.0017%; no homozygotes.

Submission:

Labcorp Genetics (formerly Invitae), Labcorp
Classification: Uncertain significance for Autosomal recessive limb-girdle muscular dystrophy type 2Q; Epidermolysis bullosa simplex, Ogna type; Epidermolysis bullosa simplex with nail dystrophy; Epidermolysis bullosa simplex 5C, with pyloric atresia; Epidermolysis bullosa simplex 5B, with muscular dystrophy. Last evaluated: 2023-02-01. Review status: criteria provided, single submitter. Criteria: Invitae Variant Classification Sherloc (09022015). Collection method: clinical testing. Allele origin: germline.
Comment: This variant has not been reported in the literature in individuals affected with PLEC-related conditions. In summary, the available evidence is currently insufficient to determine the role of this variant in disease. Therefore, it has been classified as a Variant of Uncertain Significance. Algorithms developed to predict the effect of missense changes on protein structure and function (SIFT, PolyPhen-2, Align-GVGD) all suggest that this variant is likely to be disruptive. The frequency data for this variant in the population databases is considered unreliable, as metrics indicate poor data quality at this position in the gnomAD database. This sequence change replaces leucine, which is neutral and non-polar, with proline, which is neutral and non-polar, at codon 3234 of the PLEC protein (p.Leu3234Pro).